The following is an entry in ClinVar:

NM_005120.3(MED12):c.2093G>A (p.Ser698Asn)

Gene: MED12 (mediator complex subunit 12; plus strand). Cytogenetic location: Xq13.1.
Variant type: single nucleotide variant.
Coding change: c.2093G>A on transcript NM_005120.3 (MANE Select); coding-DNA position 2093, G replaced by A.
Protein change: p.Ser698Asn; replaces serine 698 with asparagine.
Molecular consequence: missense variant.
Genome position (GRCh38, 1-based): chrX:71,125,013, G>A. VCF-style: chrX-71125013-G-A. GRCh37 (hg19) VCF-style: chrX-70344863-G-A.
Other names: short protein forms S698N.
Identifiers: ClinVar variation 213647 (VCV000213647.12), dbSNP rs863223710, ClinGen allele CA322321.

ClinVar aggregate classification (germline): Uncertain significance. Review status: criteria provided, multiple submitters, no conflicts (2 of 4 stars). 2 submissions from 2 submitters: Uncertain significance (2). Last evaluated 2024-02-12.

Conditions:
FG syndrome (FGS). Identifiers: MedGen C0220769, MONDO:0002010.

Allele frequency attached by ClinVar (database versions not stated): gnomAD exomes 0.00001.

Submissions (2):

Labcorp Genetics (formerly Invitae), Labcorp
Classification: Uncertain significance for FG syndrome. Last evaluated: 2024-02-12. Review status: criteria provided, single submitter. Criteria: Invitae Variant Classification Sherloc (09022015). Collection method: clinical testing. Allele origin: germline.
Comment: This sequence change replaces serine, which is neutral and polar, with asparagine, which is neutral and polar, at codon 698 of the MED12 protein (p.Ser698Asn). This variant is not present in population databases (gnomAD no frequency). This variant has not been reported in the literature in individuals affected with MED12-related conditions. ClinVar contains an entry for this variant (Variation ID: 213647). Advanced modeling of protein sequence and biophysical properties (such as structural, functional, and spatial information, amino acid conservation, physicochemical variation, residue mobility, and thermodynamic stability) performed at Invitae indicates that this missense variant is not expected to disrupt MED12 protein function with a negative predictive value of 95%. In summary, the available evidence is currently insufficient to determine the role of this variant in disease. Therefore, it has been classified as a Variant of Uncertain Significance.

GeneDx
Classification: Uncertain significance. Last evaluated: 2015-04-16. Review status: criteria provided, single submitter. Criteria: GeneDx Variant Classification (06012015). Collection method: clinical testing. Allele origin: germline. Affected: yes.
Comment: p.Ser698Asn (AGT>AAT): c.2093 G>A in exon 15 in the MED12 Gene (NM_005120.2). The S698N variant in the MED12 gene has not been published as a mutation, nor has it been reported as a benign polymorphism to our knowledge. The S698N variant was not observed in approximately 6100 individuals of European and African American ancestry in the NHLBI Exome Sequencing Project, indicating it is not a common benign variant in these populations. The S698N variant is a conservative amino acid substitution, which is not likely to impact secondary protein structure as these residues share similar properties. This substitution occurs at a position that is conserved across species. However, in silico analysis is inconsistent in its predictions as to whether or not the variant is damaging to the protein structure/function. We interpret S698N as a variant of unknown significance. This variant was found in HG19-EXOME-